The following is an entry in ClinVar:

ClinVar aggregate classification (germline): Uncertain significance (1 of 4 stars; one submission).

Conditions:
Autoimmune lymphoproliferative syndrome, type III caused by mutation in PRKCD. Identifiers: Orphanet 3261, Orphanet 664711, MedGen C3809928, MONDO:8000024, OMIM 615559.

Submission:

Labcorp Genetics (formerly Invitae), Labcorp
Classification: Uncertain significance for Autoimmune lymphoproliferative syndrome, type III caused by mutation in PRKCD. Last evaluated: 2021-08-22. Review status: criteria provided, single submitter. Criteria: Invitae Variant Classification Sherloc (09022015). Collection method: clinical testing. Allele origin: germline.
Comment: This sequence change replaces aspartic acid with tyrosine at codon 126 of the PRKCD protein (p.Asp126Tyr). The aspartic acid residue is highly conserved and there is a large physicochemical difference between aspartic acid and tyrosine. This variant also falls at the last nucleotide of exon 5, which is part of the consensus splice site for this exon. This variant is not present in population databases (ExAC no frequency). This variant has not been reported in the literature in individuals with PRKCD-related conditions. Algorithms developed to predict the effect of missense changes on protein structure and function are either unavailable or do not agree on the potential impact of this missense change (SIFT: "Deleterious"; PolyPhen-2: "Possibly Damaging"; Align-GVGD: "Class C0"). Nucleotide substitutions within the consensus splice site are a relatively common cause of aberrant splicing (PMID: 17576681, 9536098). Algorithms developed to predict the effect of sequence changes on RNA splicing suggest that this variant may disrupt the consensus splice site, but this prediction has not been confirmed by published transcriptional studies. In summary, the available evidence is currently insufficient to determine the role of this variant in disease. Therefore, it has been classified as a Variant of Uncertain Significance.

Literature cited by the submitters: PubMed 17576681; PubMed 9536098.

NM_006254.4(PRKCD):c.376G>T (p.Asp126Tyr)

Genes: PRKCD (protein kinase C delta; plus strand), LOC129936895 (ATAC-STARR-seq lymphoblastoid active region 19963; plus strand). Cytogenetic location: 3p21.1.
Variant type: single nucleotide variant.
Coding change: c.376G>T on transcript NM_006254.4 (MANE Select); coding-DNA position 376, G replaced by T.
Protein change: p.Asp126Tyr; replaces aspartic acid 126 with tyrosine.
Molecular consequence: missense variant.
Genome position (GRCh38, 1-based): chr3:53,181,267, G>T. VCF-style: chr3-53181267-G-T. GRCh37 (hg19) VCF-style: chr3-53215283-G-T.
Other names: c.376G>T, p.Asp126Tyr (NM_001316327.2, NM_001354679.2, NM_001354680.2 and 1 more transcripts); c.433G>T, p.Asp145Tyr (NM_001354676.2); c.424G>T, p.Asp142Tyr (NM_001354678.2); short protein forms D142Y, D126Y, D145Y.
Identifiers: ClinVar variation 1358064 (VCV001358064.8), dbSNP rs1553667410, ClinGen allele CA353233856.